The following is an entry in ClinVar:

NM_153704.6(TMEM67):c.29C>T (p.Ala10Val)

Gene: TMEM67 (transmembrane protein 67; plus strand). Cytogenetic location: 8q22.1.
Variant type: single nucleotide variant.
Coding change: c.29C>T on transcript NM_153704.6 (MANE Select); coding-DNA position 29, C replaced by T.
Protein change: p.Ala10Val; replaces alanine 10 with valine.
Molecular consequence: missense variant. On other transcripts: non-coding transcript variant (1), intron variant (1).
Genome position (GRCh38, 1-based): chr8:93,754,943, C>T. VCF-style: chr8-93754943-C-T. GRCh37 (hg19) VCF-style: chr8-94767171-C-T.
Other names: c.-180+34C>T (NM_001142301.1); short protein forms A10V.
Identifiers: ClinVar variation 363916 (VCV000363916.8), dbSNP rs146838062, ClinGen allele CA4807496.

ClinVar aggregate classification (germline): Uncertain significance. Review status: criteria provided, multiple submitters, no conflicts (2 of 4 stars). 5 submissions from 3 submitters: Uncertain significance (5). Last evaluated 2022-06-22.

Conditions:
Meckel syndrome, type 3 (MKS3). Also called: MECKEL-GRUBER SYNDROME, TYPE 3. Identifiers: Orphanet 564, MedGen C1846357, MONDO:0011821, OMIM 607361.
Bardet-Biedl syndrome 14 (BBS14). Identifiers: Orphanet 110, MedGen C2673874, MONDO:0014442, OMIM 615991.
Joubert syndrome 6 (JBTS6). Identifiers: Orphanet 475, MedGen C1853153, MONDO:0012539, OMIM 610688.
Nephronophthisis 11 (NPHP11). Identifiers: Orphanet 84081, MedGen C3150796, MONDO:0013302, OMIM 613550.
RHYNS syndrome. Also called: RETINITIS PIGMENTOSA SYNDROME; RETINITIS PIGMENTOSA, HYPOPITUITARISM, NEPHRONOPHTHISIS, AND MILD SKELETAL DYSPLASIA. Identifiers: Orphanet 140976, MedGen C1865794, MONDO:0011202, OMIM 602152.
COACH syndrome 1. Identifiers: Orphanet 1454, MedGen C5435651, MONDO:0800103, OMIM 216360, MONDO:0008996.
Meckel-Gruber syndrome. Also called: Dysencephalia splachnocystica; GRUBER SYNDROME; DYSENCEPHALIA SPLANCHNOCYSTICA. Identifiers: Orphanet 564, MedGen C0265215, MONDO:0018921.
Joubert syndrome. Also called: JOUBERT-BOLTSHAUSER SYNDROME; Familial aplasia of the vermis; CEREBELLOPARENCHYMAL DISORDER IV. Identifiers: Orphanet 475, MedGen C5979921, MONDO:0018772.

Allele frequency attached by ClinVar (database versions not stated): gnomAD 0.00001; gnomAD exomes 0.00001; ExAC 0.00002.
gnomAD v4.1: 20 of 1,613,948 alleles (0.0012%); highest among the groups gnomAD compares: Middle Eastern, 0.13%; no homozygotes.

Submissions (5):

Labcorp Genetics (formerly Invitae), Labcorp
Classification: Uncertain significance for Joubert syndrome; Meckel-Gruber syndrome. Last evaluated: 2022-06-22. Review status: criteria provided, single submitter. Criteria: Invitae Variant Classification Sherloc (09022015). Collection method: clinical testing. Allele origin: germline.
Comment: This sequence change replaces alanine, which is neutral and non-polar, with valine, which is neutral and non-polar, at codon 10 of the TMEM67 protein (p.Ala10Val). This variant is present in population databases (rs146838062, gnomAD 0.003%). This variant has not been reported in the literature in individuals affected with TMEM67-related conditions. ClinVar contains an entry for this variant (Variation ID: 363916). Advanced modeling of protein sequence and biophysical properties (such as structural, functional, and spatial information, amino acid conservation, physicochemical variation, residue mobility, and thermodynamic stability) performed at Invitae indicates that this missense variant is not expected to disrupt TMEM67 protein function. Algorithms developed to predict the effect of sequence changes on RNA splicing suggest that this variant may create or strengthen a splice site. In summary, the available evidence is currently insufficient to determine the role of this variant in disease. Therefore, it has been classified as a Variant of Uncertain Significance.

Fulgent Genetics
Classification: Uncertain significance for COACH syndrome 1; RHYNS syndrome; Meckel syndrome, type 3; Joubert syndrome 6; Nephronophthisis 11; Bardet-Biedl syndrome 14. Last evaluated: 2022-03-22. Review status: criteria provided, single submitter. Criteria: ACMG Guidelines, 2015. Collection method: clinical testing. Allele origin: unknown.

Illumina Laboratory Services, Illumina
Classification: Uncertain significance for Meckel syndrome, type 3. Last evaluated: 2018-01-12. Review status: criteria provided, single submitter. Criteria: ICSL Variant Classification Criteria 13 December 2019. Collection method: clinical testing. Allele origin: germline.

Illumina Laboratory Services, Illumina
Classification: Uncertain significance for Nephronophthisis 11. Last evaluated: 2018-01-12. Review status: criteria provided, single submitter. Criteria: ICSL Variant Classification Criteria 13 December 2019. Collection method: clinical testing. Allele origin: germline.

Illumina Laboratory Services, Illumina
Classification: Uncertain significance for Joubert syndrome 6. Last evaluated: 2018-01-12. Review status: criteria provided, single submitter. Criteria: ICSL Variant Classification Criteria 13 December 2019. Collection method: clinical testing. Allele origin: germline.